The following is an entry in ClinVar:

NM_020435.4(GJC2):c.716T>C (p.Val239Ala)

Gene: GJC2 (gap junction protein gamma 2; plus strand). Cytogenetic location: 1q42.13.
Variant type: single nucleotide variant.
Coding change: c.716T>C on transcript NM_020435.4 (MANE Select); coding-DNA position 716, T replaced by C.
Protein change: p.Val239Ala; replaces valine 239 with alanine.
Molecular consequence: missense variant.
Genome position (GRCh38, 1-based): chr1:228,158,474, T>C. VCF-style: chr1-228158474-T-C. GRCh37 (hg19) VCF-style: chr1-228346175-T-C.
Other names: short protein forms V239A.
Identifiers: ClinVar variation 1708707 (VCV001708707.7), dbSNP rs375623977, ClinGen allele CA1430903.

ClinVar aggregate classification (germline): Conflicting classifications of pathogenicity. Review status: criteria provided, conflicting classifications (1 of 4 stars). 2 submissions from 2 submitters: Likely pathogenic (1); Uncertain significance (1). Last evaluated 2022-09-23.

Conditions:
Spastic paraplegia. Identifiers: MedGen C0037772, HP:0001258.

Allele frequency attached by ClinVar (database versions not stated): gnomAD 0.00001; gnomAD exomes 0.00002; TOPMed 0.00003; ExAC 0.00005; ESP Exome Variant Server 0.00008.

Submissions (2):

GeneDx
Classification: Likely pathogenic. Last evaluated: 2022-09-23. Review status: criteria provided, single submitter. Criteria: GeneDx Variant Classification Process June 2021. Collection method: clinical testing. Allele origin: germline. Affected: yes.
Comment: In silico analysis supports that this missense variant has a deleterious effect on protein structure/function; This variant is associated with the following publications: (PMID: 31270756)

Labcorp Genetics (formerly Invitae), Labcorp
Classification: Uncertain significance for Spastic paraplegia. Last evaluated: 2022-06-15. Review status: criteria provided, single submitter. Criteria: Invitae Variant Classification Sherloc (09022015). Collection method: clinical testing. Allele origin: germline.
Comment: Algorithms developed to predict the effect of missense changes on protein structure and function (SIFT, PolyPhen-2, Align-GVGD) all suggest that this variant is likely to be disruptive. In summary, the available evidence is currently insufficient to determine the role of this variant in disease. Therefore, it has been classified as a Variant of Uncertain Significance. This missense change has been observed in individual(s) with Pelizaeus-Merzbacher disease (PMID: 31270756). In at least one individual the data is consistent with being in trans (on the opposite chromosome) from a pathogenic variant. This sequence change replaces valine, which is neutral and non-polar, with alanine, which is neutral and non-polar, at codon 239 of the GJC2 protein (p.Val239Ala). This variant is present in population databases (rs375623977, gnomAD 0.007%).

Literature cited by the submitters: PubMed 31270756 (cited by Labcorp Genetics (formerly Invitae), Labcorp).